The following is an entry in ClinVar:

NM_001614.5(ACTG1):c.488T>C (p.Val163Ala)

Gene: ACTG1 (actin gamma 1; minus strand). Cytogenetic location: 17q25.3.
Variant type: single nucleotide variant.
Coding change: c.488T>C on transcript NM_001614.5 (MANE Select); coding-DNA position 488, T replaced by C.
Protein change: p.Val163Ala; replaces valine 163 with alanine.
Molecular consequence: missense variant. On other transcripts: non-coding transcript variant (1).
Genome position (GRCh38, 1-based): chr17:81,511,502, A>G on the plus strand (T>C on the coding strand, the complement: ACTG1 is on the minus strand). VCF-style: chr17-81511502-A-G. GRCh37 (hg19) VCF-style: chr17-79478528-A-G.
Other names: c.488T>C, p.Val163Ala (NM_001199954.3); short protein forms V163A.
Identifiers: ClinVar variation 4755869 (VCV004755869.1).
Genomic context (GRCh38, chr17:81,511,502, plus strand): 5'-CGGCCAGCCAGGTCCAGACGCAGGATGGCGTGGGGGAGGGCGTAGCCCTCGTAGATGGGC[A>G]CCGTGTGGGTGACCCCGTCTCCAGAGTCCATGACAATGCCAGTGGTGCGCCCAGAGGCGT-3'
Protein context (NP_001605.1, residues 153-173): MDSGDGVTHT[Val163Ala]PIYEGYALPH

ClinVar aggregate classification (germline): Uncertain significance (1 of 4 stars; one submission).

Submission:

GeneDx
Classification: Uncertain significance. Last evaluated: 2025-08-09. Review status: criteria provided, single submitter. Criteria: GeneDx Variant Classification Process June 2021. Collection method: clinical testing. Allele origin: germline. Affected: yes.
Comment: Not observed at significant frequency in large population cohorts (gnomAD); Missense variants in this gene are a common cause of disease and they are underrepresented in the general population; In silico analysis supports that this missense variant has a deleterious effect on protein structure/function; Has not been previously published as pathogenic or benign to our knowledge